The following is an entry in ClinVar:

ClinVar aggregate classification (germline): Benign/Likely benign. Review status: criteria provided, single submitter (1 of 4 stars). 2 submissions from 1 submitter: Benign (1); Likely benign (1). Last evaluated 2018-01-13.

Conditions:
Dilated cardiomyopathy 1J (CMD1J). Also called: CARDIOMYOPATHY, DILATED, WITH SENSORINEURAL HEARING LOSS, AUTOSOMAL DOMINANT. Identifiers: Orphanet 217622, MedGen C1854368, MONDO:0011541, OMIM 605362.
Autosomal dominant nonsyndromic hearing loss 10. Identifiers: Orphanet 90635, MedGen C1832476, MONDO:0011031, OMIM 601316.

Allele frequency attached by ClinVar (database versions not stated): 1000 Genomes Project 0.01018; 1000 Genomes Project 30x 0.01062; TOPMed 0.01178.

Submissions (2):

Illumina Laboratory Services, Illumina
Classification: Likely benign for Dilated cardiomyopathy 1J. Last evaluated: 2018-01-13. Review status: criteria provided, single submitter. Criteria: ICSL Variant Classification Criteria 13 December 2019. Collection method: clinical testing. Allele origin: germline.
Comment: This variant was observed in the ICSL laboratory as part of a predisposition screen in an ostensibly healthy population. It had not been previously curated by ICSL or reported in the Human Gene Mutation Database (HGMD: prior to June 1st, 2018), and was therefore a candidate for classification through an automated scoring system. Utilizing variant allele frequency, disease prevalence and penetrance estimates, and inheritance mode, an automated score was calculated to assess if this variant is too frequent to cause the disease. Based on the score and internal cut-off values, a variant classified as likely benign is not then subjected to further curation. The score for this variant resulted in a classification of likely benign for this disease.

Illumina Laboratory Services, Illumina
Classification: Benign for Autosomal dominant nonsyndromic hearing loss 10. Last evaluated: 2018-01-13. Review status: criteria provided, single submitter. Criteria: ICSL Variant Classification Criteria 13 December 2019. Collection method: clinical testing. Allele origin: germline.
Comment: This variant was observed in the ICSL laboratory as part of a predisposition screen in an ostensibly healthy population. It had not been previously curated by ICSL or reported in the Human Gene Mutation Database (HGMD: prior to June 1st, 2018), and was therefore a candidate for classification through an automated scoring system. Utilizing variant allele frequency, disease prevalence and penetrance estimates, and inheritance mode, an automated score was calculated to assess if this variant is too frequent to cause the disease. Based on the score and internal cut-off values, a variant classified as benign is not then subjected to further curation. The score for this variant resulted in a classification of benign for this disease.

NM_004100.5(EYA4):c.-244C>G

Gene: EYA4 (EYA transcriptional coactivator and phosphatase 4; plus strand). Cytogenetic location: 6q23.2.
Variant type: single nucleotide variant.
Coding change: c.-244C>G on transcript NM_004100.5 (MANE Select); 244 bases upstream of the start codon, C replaced by G.
Molecular consequence: 5 prime UTR variant.
Genome position (GRCh38, 1-based): chr6:133,241,571, C>G. VCF-style: chr6-133241571-C-G. GRCh37 (hg19) VCF-style: chr6-133562709-C-G.
Other names: c.-244C>G (NM_001301012.2, NM_001301013.2, NM_001370458.1 and 3 more transcripts).
Identifiers: ClinVar variation 906975 (VCV000906975.4), dbSNP rs112173873, ClinGen allele CA148375649.